The following is an entry in ClinVar:

ClinVar aggregate classification (germline): Likely benign (0 of 4 stars; one submission).

Conditions:
UGT1A9-related disorder. Also called: UGT1A9-related condition.

Allele frequency attached by ClinVar (database versions not stated): TOPMed below 0.00001; gnomAD 0.00001; gnomAD exomes 0.00002.
gnomAD v4.1: 36 of 1,613,958 alleles (0.0022%); highest among the groups gnomAD compares: South Asian, 0.036%; no homozygotes.

Submission:

PreventionGenetics, part of Exact Sciences
Classification: Likely benign for UGT1A9-related condition. Last evaluated: 2020-10-30. Review status: no assertion criteria provided. Collection method: clinical testing. Allele origin: germline.
Comment: This variant is classified as likely benign based on ACMG/AMP sequence variant interpretation guidelines (Richards et al. 2015 PMID: 25741868, with internal and published modifications).

NM_021027.3(UGT1A9):c.417G>A (p.Glu139=)

Genes: UGT1A (UDP glucuronosyltransferase family 1 member A complex locus; plus strand), UGT1A10 (UDP glucuronosyltransferase family 1 member A10; plus strand), UGT1A8 (UDP glucuronosyltransferase family 1 member A8; plus strand), UGT1A9 (UDP glucuronosyltransferase family 1 member A9; plus strand). Cytogenetic location: 2q37.1.
Variant type: single nucleotide variant.
Coding change: c.417G>A on transcript NM_021027.3 (MANE Select); coding-DNA position 417, G replaced by A.
Protein change: p.Glu139=; no amino-acid change (glutamic acid 139 retained).
Molecular consequence: synonymous variant. On other transcripts: intron variant (2).
Genome position (GRCh38, 1-based): chr2:233,672,351, G>A. VCF-style: chr2-233672351-G-A. GRCh37 (hg19) VCF-style: chr2-234580997-G-A.
Other names: c.855+53789G>A (NM_019076.5); c.855+34974G>A (NM_019075.4).
Identifiers: ClinVar variation 3032294 (VCV003032294.2), dbSNP rs765515241, ClinGen allele CA2178042.
Genomic context (GRCh38, chr2:233,672,351, plus strand): 5'-ATTTTTTTCAAATTGCAGGAGTTTGTTTAAAGACAAAAAATTAGTAGAATACTTAAAGGA[G>A]AGTTCTTTTGATGCAGTGTTTCTCGATCCTTTTGATAACTGTGGCTTAATTGTTGCCAAA-3'
Protein context (NP_066307.1, residues 129-149): KDKKLVEYLK[Glu139=]SSFDAVFLDP